The following is an entry in ClinVar:

ClinVar aggregate classification (germline): Uncertain significance (1 of 4 stars; one submission).

Conditions:
Deficiency of phosphoserine phosphatase (PSPHD). Also called: Phosphoserine phosphatase deficiency; PSPH deficiency. Identifiers: Orphanet 79350, MedGen C1291463, MONDO:0013531, OMIM 614023.

Allele frequency attached by ClinVar (database versions not stated): TOPMed below 0.00001.

Submission:

Labcorp Genetics (formerly Invitae), Labcorp
Classification: Uncertain significance for Deficiency of phosphoserine phosphatase. Last evaluated: 2022-06-08. Review status: criteria provided, single submitter. Criteria: Invitae Variant Classification Sherloc (09022015). Collection method: clinical testing. Allele origin: germline.
Comment: This variant has not been reported in the literature in individuals affected with PSPH-related conditions. This variant is not present in population databases (gnomAD no frequency). This sequence change replaces isoleucine, which is neutral and non-polar, with valine, which is neutral and non-polar, at codon 162 of the PSPH protein (p.Ile162Val). Algorithms developed to predict the effect of missense changes on protein structure and function (SIFT, PolyPhen-2, Align-GVGD) all suggest that this variant is likely to be tolerated. In summary, the available evidence is currently insufficient to determine the role of this variant in disease. Therefore, it has been classified as a Variant of Uncertain Significance.

NM_004577.4(PSPH):c.484A>G (p.Ile162Val)

Gene: PSPH (phosphoserine phosphatase; minus strand). Cytogenetic location: 7p11.2.
Variant type: single nucleotide variant.
Coding change: c.484A>G on transcript NM_004577.4 (MANE Select); coding-DNA position 484, A replaced by G.
Protein change: p.Ile162Val; replaces isoleucine 162 with valine.
Molecular consequence: missense variant.
Genome position (GRCh38, 1-based): chr7:56,015,109, T>C on the plus strand (A>G on the coding strand, the complement: PSPH is on the minus strand). VCF-style: chr7-56015109-T-C. GRCh37 (hg19) VCF-style: chr7-56082802-T-C.
Other names: c.484A>G, p.Ile162Val (NM_001370503.1, NM_001370504.1, NM_001370505.1 and 17 more transcripts); short protein forms I162V.
Identifiers: ClinVar variation 2003441 (VCV002003441.4), dbSNP rs1788403688, ClinGen allele CA367595746.